The following is an entry in ClinVar:

NM_000051.4(ATM):c.1609C>T (p.Pro537Ser)

Gene: ATM (ATM serine/threonine kinase; plus strand). Cytogenetic location: 11q22.3.
Variant type: single nucleotide variant.
Coding change: c.1609C>T on transcript NM_000051.4 (MANE Select); coding-DNA position 1609, C replaced by T.
Protein change: p.Pro537Ser; replaces proline 537 with serine.
Molecular consequence: missense variant.
Genome position (GRCh38, 1-based): chr11:108,251,838, C>T. VCF-style: chr11-108251838-C-T. GRCh37 (hg19) VCF-style: chr11-108122565-C-T.
Other names: c.1609C>T, p.Pro537Ser (NM_001351834.2); short protein forms P537S.
Identifiers: ClinVar variation 917716 (VCV000917716.4), dbSNP rs1165590160, ClinGen allele CA382534472.

ClinVar aggregate classification (germline): Uncertain significance. Review status: criteria provided, multiple submitters, no conflicts (2 of 4 stars). 3 submissions from 3 submitters: Uncertain significance (3). Last evaluated 2021-08-11.

Conditions:
Hereditary cancer-predisposing syndrome. Also called: Tumor predisposition; Hereditary neoplastic syndrome; Hereditary Cancer Syndrome; Neoplastic Syndromes, Hereditary. Identifiers: Orphanet 140162, MedGen C0027672, MeSH D009386, MONDO:0015356.

Allele frequency attached by ClinVar (database versions not stated): gnomAD exomes below 0.00001.
gnomAD v4.1: 1 of 1,613,652 alleles (0.000062%); highest among the groups gnomAD compares: Non-Finnish European, 0.000085%; no homozygotes.

Submissions (3):

Ambry Genetics
Classification: Uncertain significance for Hereditary cancer-predisposing syndrome. Last evaluated: 2021-08-11. Review status: criteria provided, single submitter. Criteria: Ambry Variant Classification Scheme 2023. Collection method: clinical testing. Allele origin: germline.
Comment: The p.P537S variant (also known as c.1609C>T), located in coding exon 10 of the ATM gene, results from a C to T substitution at nucleotide position 1609. The proline at codon 537 is replaced by serine, an amino acid with similar properties. This amino acid position is conserved. In addition, this alteration is predicted to be tolerated by in silico analysis. Since supporting evidence is limited at this time, the clinical significance of this alteration remains unclear.

Women's Health and Genetics/Laboratory Corporation of America, LabCorp
Classification: Uncertain significance. Last evaluated: 2020-02-25. Review status: criteria provided, single submitter. Criteria: LabCorp Variant Classification Summary - May 2015. Collection method: clinical testing. Allele origin: germline.
Comment: Variant summary: ATM c.1609C>T (p.Pro537Ser) results in a non-conservative amino acid change in the encoded protein sequence. Four of five in-silico tools predict a benign effect of the variant on protein function. The variant allele was found at a frequency of 4e-06 in 251294 control chromosomes (gnomAD). The available data on variant occurrences in the general population are insufficient to allow any conclusion about variant significance. To our knowledge, no occurrence of c.1609C>T in individuals affected with Breast Cancer and no experimental evidence demonstrating its impact on protein function have been reported. Co-occurrence with another pathogenic variant has been internally reported (PALB2 c.757_758delCT, p.Leu253fsX3), providing supporting evidence for a benign role. No clinical diagnostic laboratories have submitted clinical-significance assessments for this variant to ClinVar after 2014. Based on the evidence outlined above, the variant was classified as uncertain significance.

Color Diagnostics, LLC DBA Color Health
Classification: Uncertain significance for Hereditary cancer-predisposing syndrome. Last evaluated: 2019-06-05. Review status: criteria provided, single submitter. Criteria: ACMG Guidelines, 2015. Collection method: clinical testing. Allele origin: germline.